The following is an entry in ClinVar:

ClinVar aggregate classification (germline): Uncertain significance. Review status: criteria provided, multiple submitters, no conflicts (2 of 4 stars). 2 submissions from 2 submitters: Uncertain significance (2). Last evaluated 2026-02-03.

Conditions:
Inborn genetic diseases. Identifiers: MedGen C0950123, MeSH D030342.

gnomAD v4.1: 2 of 1,614,088 alleles (0.00012%); highest among the groups gnomAD compares: Non-Finnish European, 0.00017%; no homozygotes.

Submissions (2):

GeneDx
Classification: Uncertain significance. Last evaluated: 2026-02-03. Review status: criteria provided, single submitter. Criteria: GeneDx Variant Classification Process June 2021. Collection method: clinical testing. Allele origin: germline.
Comment: Not observed at significant frequency in large population cohorts (gnomAD); In silico analysis supports that this missense variant has a deleterious effect on protein structure/function; Has not been previously published as pathogenic or benign to our knowledge

Ambry Genetics
Classification: Uncertain significance for Inborn genetic diseases. Last evaluated: 2025-09-24. Review status: criteria provided, single submitter. Criteria: Ambry Variant Classification Scheme 2023. Collection method: clinical testing. Allele origin: germline.

NM_001126128.2(PROK2):c.196G>A (p.Asp66Asn)

Gene: PROK2 (prokineticin 2; minus strand). Cytogenetic location: 3p13.
Variant type: single nucleotide variant.
Coding change: c.196G>A on transcript NM_001126128.2 (MANE Select); coding-DNA position 196, G replaced by A.
Protein change: p.Asp66Asn; replaces aspartic acid 66 with asparagine.
Molecular consequence: missense variant.
Genome position (GRCh38, 1-based): chr3:71,781,493, C>T on the plus strand (G>A on the coding strand, the complement: PROK2 is on the minus strand). VCF-style: chr3-71781493-C-T. GRCh37 (hg19) VCF-style: chr3-71830644-C-T.
Other names: c.196G>A, p.Asp66Asn (NM_021935.4); short protein forms D66N.
Identifiers: ClinVar variation 4628442 (VCV004628442.2).